The following is an entry in ClinVar:

NM_001267550.2(TTN):c.77339G>A (p.Ser25780Asn)

Genes: TTN (titin; minus strand), TTN-AS1 (TTN antisense RNA 1; plus strand). Cytogenetic location: 2q31.2.
Variant type: single nucleotide variant.
Coding change: c.77339G>A on transcript NM_001267550.2 (MANE Select); coding-DNA position 77339, G replaced by A.
Protein change: p.Ser25780Asn; replaces serine 25780 with asparagine.
Molecular consequence: missense variant.
Genome position (GRCh38, 1-based): chr2:178,568,793, C>T on the plus strand (G>A on the coding strand, the complement: TTN is on the minus strand). VCF-style: chr2-178568793-C-T. GRCh37 (hg19) VCF-style: chr2-179433520-C-T.
Other names: c.72416G>A, p.Ser24139Asn (NM_001256850.1); c.50144G>A, p.Ser16715Asn (NM_003319.4); c.69635G>A, p.Ser23212Asn (NM_133378.4); c.50519G>A, p.Ser16840Asn (NM_133432.3); c.50720G>A, p.Ser16907Asn (NM_133437.4); c.77339G>A (NM_001267550.1); short protein forms S16715N, S25780N, S23212N, S16840N, S24139N, S16907N.
Identifiers: ClinVar variation 518954 (VCV000518954.6), dbSNP rs555798738, ClinGen allele CA1989790.

ClinVar aggregate classification (germline): Uncertain significance. Review status: criteria provided, multiple submitters, no conflicts (2 of 4 stars). 2 submissions from 2 submitters: Uncertain significance (2). Last evaluated 2024-08-13.

Conditions:
Cardiovascular phenotype. Identifiers: MedGen CN230736.

Allele frequency attached by ClinVar (database versions not stated): gnomAD exomes below 0.00001; ExAC 0.00001; gnomAD 0.00001; 1000 Genomes Project 0.00020; 1000 Genomes Project 30x 0.00031.
gnomAD v4.1: 1 of 1,613,106 alleles (0.000062%); highest among the groups gnomAD compares: Admixed American, 0.0017%; no homozygotes.

Submissions (2):

GeneDx
Classification: Uncertain significance. Last evaluated: 2024-08-13. Review status: criteria provided, single submitter. Criteria: GeneDx Variant Classification Process June 2021. Collection method: clinical testing. Allele origin: germline. Affected: yes.
Comment: Not observed at significant frequency in large population cohorts (gnomAD); Missense variant in a gene in which most reported pathogenic variants are truncating/loss of function; Has not been previously published as pathogenic or benign to our knowledge

Ambry Genetics
Classification: Uncertain significance for Cardiovascular phenotype. Last evaluated: 2016-11-05. Review status: criteria provided, single submitter. Criteria: Ambry Variant Classification Scheme 2023. Collection method: clinical testing. Allele origin: germline.
Comment: The p.S16715N variant (also known as c.50144G>A), located in coding exon 153 of the TTN gene, results from a G to A substitution at nucleotide position 50144. The serine at codon 16715 is replaced by asparagine, an amino acid with highly similar properties, and is located in the A-band region of the N2-B isoform of the titin protein. This variant was previously reported in the SNPDatabase as rs555798738. Based on data from ExAC, the A allele has an overall frequency of <0.01% (1/105054). This amino acid position is highly conserved in available vertebrate species. In addition, this alteration is predicted to be tolerated by in silico analysis. Since supporting evidence is limited at this time, the clinical significance of this alteration remains unclear.